The following is an entry in ClinVar:

ClinVar aggregate classification (germline): Likely pathogenic. Review status: criteria provided, multiple submitters, no conflicts (2 of 4 stars). 2 submissions from 2 submitters: Likely pathogenic (2). Last evaluated 2025-08-30.

Conditions:
PCDH15-related disorder. Also called: PCDH15-related condition; PCDH15-related disorders.

Allele frequency attached by ClinVar (database versions not stated): gnomAD 0.00001.
gnomAD v4.1: 4 of 1,552,260 alleles (0.00026%); highest among the groups gnomAD compares: East Asian, 0.0023%; no homozygotes.

Submissions (2):

Labcorp Genetics (formerly Invitae), Labcorp
Classification: Likely pathogenic. Last evaluated: 2025-08-30. Review status: criteria provided, single submitter. Criteria: Invitae Variant Classification Sherloc (09022015). Collection method: clinical testing. Allele origin: germline.
Comment: This sequence change affects a donor splice site in intron 31 of the PCDH15 gene. It is expected to disrupt RNA splicing. Variants that disrupt the donor or acceptor splice site typically lead to a loss of protein function (PMID: 16199547), and loss-of-function variants in PCDH15 are known to be pathogenic (PMID: 11398101, 11487575, 14570705). This variant is not present in population databases (gnomAD no frequency). Disruption of this splice site has been observed in individual(s) with deafness (PMID: 37996878). ClinVar contains an entry for this variant (Variation ID: 2037151). Algorithms developed to predict the effect of sequence changes on RNA splicing suggest that this variant may disrupt the consensus splice site. In summary, the currently available evidence indicates that the variant is pathogenic, but additional data are needed to prove that conclusively. Therefore, this variant has been classified as Likely Pathogenic.

Blueprint Genetics
Classification: Likely pathogenic for PCDH15-related disorders. Last evaluated: 2017-10-20. Review status: criteria provided, single submitter. Criteria: ACMG Guidelines, 2015. Collection method: clinical testing. Allele origin: germline. Affected: yes. Observed: 1 variant allele.

Literature cited by the submitters: PubMed 16199547 (cited by Labcorp Genetics (formerly Invitae), Labcorp); PubMed 11398101 (cited by Labcorp Genetics (formerly Invitae), Labcorp); PubMed 11487575 (cited by Labcorp Genetics (formerly Invitae), Labcorp); PubMed 14570705 (cited by Labcorp Genetics (formerly Invitae), Labcorp); PubMed 37996878 (cited by Labcorp Genetics (formerly Invitae), Labcorp).

NM_001384140.1(PCDH15):c.4211+1G>T

Gene: PCDH15 (protocadherin related 15; minus strand). Cytogenetic location: 10q21.1.
Variant type: single nucleotide variant.
Coding change: c.4211+1G>T on transcript NM_001384140.1 (MANE Select); the canonical splice donor site of the intron after coding-DNA position 4211, G replaced by T.
Molecular consequence: splice donor variant. On other transcripts: intron variant (3).
Genome position (GRCh38, 1-based): chr10:53,828,564, C>A on the plus strand (G>T on the coding strand, the complement: PCDH15 is on the minus strand). VCF-style: chr10-53828564-C-A. GRCh37 (hg19) VCF-style: chr10-55588324-C-A.
Other names: c.4211+1G>T (NM_001354420.2, NM_001354429.2, NM_001142772.2 and 3 more transcripts); c.4226+1G>T (NM_001142771.2, NM_001142763.2); c.4232+1G>T (NM_001354411.2); c.4247+1G>T (NM_001142769.3); c.4145+1G>T (NM_001354404.2, NM_001142768.2); c.4137-1016G>T (NM_001142773.2); c.4092-1016G>T (NM_001142767.2); c.3998+1G>T (NM_001142765.2); and 1 more.
Identifiers: ClinVar variation 2037151 (VCV002037151.5), dbSNP rs1554823229, ClinGen allele CA376528045.